The following is an entry in ClinVar:

NM_002900.3(RBP3):c.1157T>A (p.Leu386Gln)

Gene: RBP3 (retinol binding protein 3; plus strand). Cytogenetic location: 10q11.22.
Variant type: single nucleotide variant.
Coding change: c.1157T>A on transcript NM_002900.3 (MANE Select); coding-DNA position 1157, T replaced by A.
Protein change: p.Leu386Gln; replaces leucine 386 with glutamine.
Molecular consequence: missense variant.
Genome position (GRCh38, 1-based): chr10:47,349,641, T>A. VCF-style: chr10-47349641-T-A. GRCh37 (hg19) VCF-style: chr10-48389721-A-T.
Other names: short protein forms L386Q.
Identifiers: ClinVar variation 2004015 (VCV002004015.4), dbSNP rs1836923342, ClinGen allele CA376668677.

ClinVar aggregate classification (germline): Uncertain significance (1 of 4 stars; one submission).

Submission:

Labcorp Genetics (formerly Invitae), Labcorp
Classification: Uncertain significance. Last evaluated: 2022-07-29. Review status: criteria provided, single submitter. Criteria: Invitae Variant Classification Sherloc (09022015). Collection method: clinical testing. Allele origin: germline.
Comment: This sequence change replaces leucine, which is neutral and non-polar, with glutamine, which is neutral and polar, at codon 386 of the RBP3 protein (p.Leu386Gln). This variant is not present in population databases (gnomAD no frequency). This variant has not been reported in the literature in individuals affected with RBP3-related conditions. Algorithms developed to predict the effect of missense changes on protein structure and function output the following: SIFT: "Tolerated"; PolyPhen-2: "Probably Damaging"; Align-GVGD: "Class C0". The glutamine amino acid residue is found in multiple mammalian species, which suggests that this missense change does not adversely affect protein function. In summary, the available evidence is currently insufficient to determine the role of this variant in disease. Therefore, it has been classified as a Variant of Uncertain Significance.